The following is an entry in ClinVar:

ClinVar aggregate classification (germline): Pathogenic. Review status: criteria provided, multiple submitters, no conflicts (2 of 4 stars). 3 submissions from 3 submitters: Pathogenic (3). Last evaluated 2024-08-13.

Conditions:
Hereditary cancer-predisposing syndrome. Also called: Neoplastic Syndromes, Hereditary; Tumor predisposition; Hereditary Cancer Syndrome; Hereditary neoplastic syndrome. Identifiers: Orphanet 140162, MedGen C0027672, MeSH D009386, MONDO:0015356.
Familial cancer of breast. Also called: BREAST CANCER, FAMILIAL; hereditary breast carcinoma; Hereditary breast cancer. Identifiers: Orphanet 227535, MedGen C0346153, MONDO:0016419, OMIM 114480. Disease mechanism: loss of function.

Allele frequency attached by ClinVar (database versions not stated): gnomAD exomes below 0.00001.
gnomAD v4.1: 1 of 1,614,194 alleles (0.000062%); highest among the groups gnomAD compares: African/African-American, 0.0013%; no homozygotes.

Submissions (3):

Ambry Genetics
Classification: Pathogenic for Hereditary cancer-predisposing syndrome. Last evaluated: 2024-08-13. Review status: criteria provided, single submitter. Criteria: Ambry Variant Classification Scheme 2023. Collection method: clinical testing. Allele origin: germline.
Comment: The p.W877* pathogenic mutation (also known as c.2630G>A), located in coding exon 7 of the PALB2 gene, results from a G to A substitution at nucleotide position 2630. This changes the amino acid from a tryptophan to a stop codon within coding exon 7. This variant is considered to be rare based on population cohorts in the Genome Aggregation Database (gnomAD). This alteration is expected to result in loss of function by premature protein truncation or nonsense-mediated mRNA decay. As such, this alteration is interpreted as a disease-causing mutation.

Myriad Genetics, Inc.
Classification: Pathogenic for Familial cancer of breast. Last evaluated: 2023-09-13. Review status: criteria provided, single submitter. Criteria: Myriad Autosomal Dominant, Autosomal Recessive and X-Linked Classification Criteria (2023). Collection method: clinical testing. Allele origin: unknown.
Comment: This variant is considered pathogenic. This variant creates a termination codon and is predicted to result in premature protein truncation.

Labcorp Genetics (formerly Invitae), Labcorp
Classification: Pathogenic for Familial cancer of breast. Last evaluated: 2022-09-14. Review status: criteria provided, single submitter. Criteria: Invitae Variant Classification Sherloc (09022015). Collection method: clinical testing. Allele origin: germline.
Comment: For these reasons, this variant has been classified as Pathogenic. Algorithms developed to predict the effect of sequence changes on RNA splicing suggest that this variant may disrupt the consensus splice site. ClinVar contains an entry for this variant (Variation ID: 233842). This variant has not been reported in the literature in individuals affected with PALB2-related conditions. This variant is not present in population databases (gnomAD no frequency). This sequence change creates a premature translational stop signal (p.Trp877*) in the PALB2 gene. It is expected to result in an absent or disrupted protein product. Loss-of-function variants in PALB2 are known to be pathogenic (PMID: 17200668, 17200671, 17200672, 24136930, 25099575).

Literature cited by the submitters: PubMed 17200668 (cited by Labcorp Genetics (formerly Invitae), Labcorp); PubMed 17200671 (cited by Labcorp Genetics (formerly Invitae), Labcorp); PubMed 17200672 (cited by Labcorp Genetics (formerly Invitae), Labcorp); PubMed 24136930 (cited by Labcorp Genetics (formerly Invitae), Labcorp); PubMed 25099575 (cited by Labcorp Genetics (formerly Invitae), Labcorp).

NM_024675.4(PALB2):c.2630G>A (p.Trp877Ter)

Gene: PALB2 (partner and localizer of BRCA2; minus strand). Cytogenetic location: 16p12.2.
Variant type: single nucleotide variant.
Coding change: c.2630G>A on transcript NM_024675.4 (MANE Select); coding-DNA position 2630, G replaced by A.
Protein change: p.Trp877Ter; replaces tryptophan 877 with a stop codon.
Molecular consequence: nonsense.
Genome position (GRCh38, 1-based): chr16:23,626,354, C>T on the plus strand (G>A on the coding strand, the complement: PALB2 is on the minus strand). VCF-style: chr16-23626354-C-T. GRCh37 (hg19) VCF-style: chr16-23637675-C-T.
Other names: short protein forms W877*.
Identifiers: ClinVar variation 233842 (VCV000233842.16), dbSNP rs876660678, ClinGen allele CA10579959.